The following is an entry in ClinVar:

ClinVar aggregate classification (germline): Uncertain significance. Review status: criteria provided, multiple submitters, no conflicts (2 of 4 stars). 2 submissions from 2 submitters: Uncertain significance (2). Last evaluated 2023-03-13.

Conditions:
Inborn genetic diseases. Identifiers: MedGen C0950123, MeSH D030342.

gnomAD v4.1: 2 of 1,613,972 alleles (0.00012%); highest among the groups gnomAD compares: Non-Finnish European, 0.00017%; no homozygotes.

Submissions (2):

Ambry Genetics
Classification: Uncertain significance for Inborn genetic diseases. Last evaluated: 2023-03-13. Review status: criteria provided, single submitter. Criteria: Ambry Variant Classification Scheme 2023. Collection method: clinical testing. Allele origin: germline.

Labcorp Genetics (formerly Invitae), Labcorp
Classification: Uncertain significance. Last evaluated: 2021-07-28. Review status: criteria provided, single submitter. Criteria: Invitae Variant Classification Sherloc (09022015). Collection method: clinical testing. Allele origin: germline.
Comment: This sequence change replaces arginine with glycine at codon 147 of the AGBL5 protein (p.Arg147Gly). The arginine residue is highly conserved and there is a moderate physicochemical difference between arginine and glycine. This variant is present in population databases (rs144135243, ExAC 0.009%). This variant has not been reported in the literature in individuals affected with AGBL5-related conditions. Algorithms developed to predict the effect of missense changes on protein structure and function are either unavailable or do not agree on the potential impact of this missense change (SIFT: "Deleterious"; PolyPhen-2: "Possibly Damaging"; Align-GVGD: "Class C0"). In summary, the available evidence is currently insufficient to determine the role of this variant in disease. Therefore, it has been classified as a Variant of Uncertain Significance.

NM_021831.6(AGBL5):c.439C>G (p.Arg147Gly)

Gene: AGBL5 (AGBL carboxypeptidase 5; plus strand). Cytogenetic location: 2p23.3.
Variant type: single nucleotide variant.
Coding change: c.439C>G on transcript NM_021831.6 (MANE Select); coding-DNA position 439, C replaced by G.
Protein change: p.Arg147Gly; replaces arginine 147 with glycine.
Molecular consequence: missense variant. On other transcripts: non-coding transcript variant (2).
Genome position (GRCh38, 1-based): chr2:27,053,947, C>G. VCF-style: chr2-27053947-C-G. GRCh37 (hg19) VCF-style: chr2-27276815-C-G.
Other names: c.439C>G, p.Arg147Gly (NM_001035507.3); c.439C>G (NM_021831.5); short protein forms R147G.
Identifiers: ClinVar variation 1481269 (VCV001481269.4), dbSNP rs144135243, ClinGen allele CA1567637.